The following is an entry in ClinVar:

NM_020822.3(KCNT1):c.2034C>T (p.Gly678=)

Gene: KCNT1 (potassium sodium-activated channel subfamily T member 1; plus strand). Cytogenetic location: 9q34.3.
Variant type: single nucleotide variant.
Coding change: c.2034C>T on transcript NM_020822.3 (MANE Select); coding-DNA position 2034, C replaced by T.
Protein change: p.Gly678=; no amino-acid change (glycine 678 retained).
Molecular consequence: synonymous variant.
Genome position (GRCh38, 1-based): chr9:135,772,740, C>T. VCF-style: chr9-135772740-C-T. GRCh37 (hg19) VCF-style: chr9-138664586-C-T.
Other names: c.1899C>T, p.Gly633= (NM_001272003.2).
Identifiers: ClinVar variation 129355 (VCV000129355.52), dbSNP rs369983077, ClinGen allele CA153305.

ClinVar aggregate classification (germline): Conflicting classifications of pathogenicity. Review status: criteria provided, conflicting classifications (1 of 4 stars). 8 submissions from 8 submitters: Uncertain significance (1); Benign (1); Likely benign (6). Last evaluated 2026-05-01.

Conditions:
KCNT1-related disorder. Also called: KCNT1-related condition.
Inborn genetic diseases. Identifiers: MedGen C0950123, MeSH D030342.
Developmental and epileptic encephalopathy, 14 (DEE14). Also called: Early infantile epileptic encephalopathy 14. Identifiers: Orphanet 293181, MedGen C3554195, MONDO:0013989, OMIM 614959.
Autosomal dominant nocturnal frontal lobe epilepsy 5. Also called: Epilepsy, nocturnal frontal lobe, 5; CILIARY DYSKINESIA, PRIMARY, 28, WITHOUT SITUS INVERSUS; CILIARY DYSKINESIA, PRIMARY, 28, WITH SITUS INVERSUS; KCNT1-Related Epilepsy. Identifiers: Orphanet 98784, MedGen C3554306, MONDO:0014002, OMIM 615005.

Allele frequency attached by ClinVar (database versions not stated): gnomAD exomes 0.00046; 1000 Genomes Project 30x 0.00047; ESP Exome Variant Server 0.00058; 1000 Genomes Project 0.00060; gnomAD 0.00083 and 0.00088; TOPMed 0.00088; ExAC 0.00125.
gnomAD v4.1: 268 of 1,431,988 alleles (0.019%); highest among the groups gnomAD compares: African/African-American, 0.28%; no homozygotes.

Submissions (8):

CeGaT Center for Human Genetics Tuebingen
Classification: Likely benign. Last evaluated: 2026-05-01. Review status: criteria provided, single submitter. Criteria: CeGaT Center For Human Genetics Tuebingen Variant Classification Criteria Version 2. Collection method: clinical testing. Allele origin: germline. Affected: yes. Observed: 3 variant alleles.
Comment: KCNT1: BP4, BP7

Labcorp Genetics (formerly Invitae), Labcorp
Classification: Likely benign for Autosomal dominant nocturnal frontal lobe epilepsy 5; Developmental and epileptic encephalopathy, 14. Last evaluated: 2026-02-02. Review status: criteria provided, single submitter. Criteria: Invitae Variant Classification Sherloc (09022015). Collection method: clinical testing. Allele origin: germline.

Blueprint Genetics
Classification: Likely benign. Last evaluated: 2024-10-31. Review status: criteria provided, single submitter. Criteria: ACMG Guidelines, 2015. Collection method: clinical testing. Allele origin: germline.

PreventionGenetics, part of Exact Sciences
Classification: Likely benign for KCNT1-related condition. Last evaluated: 2024-10-30. Review status: criteria provided, single submitter. Criteria: ACMG Guidelines, 2015. Collection method: clinical testing. Allele origin: germline.
Comment: This variant is classified as likely benign based on ACMG/AMP sequence variant interpretation guidelines (Richards et al. 2015 PMID: 25741868, with internal and published modifications).

GeneDx
Classification: Benign. Last evaluated: 2018-11-12. Review status: criteria provided, single submitter. Criteria: GeneDx Variant Classification Process June 2021. Collection method: clinical testing. Allele origin: germline. Affected: yes.

Ambry Genetics
Classification: Likely benign for Inborn genetic diseases. Last evaluated: 2017-03-16. Review status: criteria provided, single submitter. Criteria: Ambry Variant Classification Scheme 2023. Collection method: clinical testing. Allele origin: germline.

Eurofins Ntd Llc (ga)
Classification: Uncertain significance. Last evaluated: 2014-12-18. Review status: criteria provided, single submitter. Criteria: EGL Classification Definitions 2015. Collection method: clinical testing. Allele origin: germline. Observed: 1 variant allele, 1 heterozygote.

Genetic Services Laboratory, University of Chicago
Classification: Likely benign for AllHighlyPenetrant. Last evaluated: 2013-08-27. Review status: criteria provided, single submitter. Criteria: ACMG Guidelines, 2007. Collection method: clinical testing. Allele origin: germline. Inheritance: Autosomal dominant inheritance.